The following is an entry in ClinVar:

ClinVar aggregate classification (germline): Uncertain significance (1 of 4 stars; one submission).

gnomAD v4.1: 11 of 1,610,466 alleles (0.00068%); highest among the groups gnomAD compares: African/African-American, 0.0013%; no homozygotes.

Submission:

Labcorp Genetics (formerly Invitae), Labcorp
Classification: Uncertain significance. Last evaluated: 2024-11-07. Review status: criteria provided, single submitter. Criteria: Invitae Variant Classification Sherloc (09022015). Collection method: clinical testing. Allele origin: germline.
Comment: This sequence change replaces methionine, which is neutral and non-polar, with valine, which is neutral and non-polar, at codon 482 of the KAT6A protein (p.Met482Val). This variant is not present in population databases (gnomAD no frequency). This variant has not been reported in the literature in individuals affected with KAT6A-related conditions. Invitae Evidence Modeling of protein sequence and biophysical properties (such as structural, functional, and spatial information, amino acid conservation, physicochemical variation, residue mobility, and thermodynamic stability) indicates that this missense variant is not expected to disrupt KAT6A protein function with a negative predictive value of 95%. In summary, the available evidence is currently insufficient to determine the role of this variant in disease. Therefore, it has been classified as a Variant of Uncertain Significance.

NM_006766.5(KAT6A):c.1444A>G (p.Met482Val)

Gene: KAT6A (lysine acetyltransferase 6A; minus strand). Cytogenetic location: 8p11.21.
Variant type: single nucleotide variant.
Coding change: c.1444A>G on transcript NM_006766.5 (MANE Select); coding-DNA position 1444, A replaced by G.
Protein change: p.Met482Val; replaces methionine 482 with valine.
Molecular consequence: missense variant.
Genome position (GRCh38, 1-based): chr8:41,974,742, T>C on the plus strand (A>G on the coding strand, the complement: KAT6A is on the minus strand). VCF-style: chr8-41974742-T-C. GRCh37 (hg19) VCF-style: chr8-41832260-T-C.
Other names: c.1444A>G, p.Met482Val (NM_001305878.2); short protein forms M482V.
Identifiers: ClinVar variation 3699490 (VCV003699490.2).